The following is an entry in ClinVar:

ClinVar aggregate classification (germline): Likely benign. Review status: criteria provided, multiple submitters, no conflicts (2 of 4 stars). 3 submissions from 3 submitters: Likely benign (3). Last evaluated 2024-01-01.

Allele frequency attached by ClinVar (database versions not stated): gnomAD exomes 0.00039 and 0.00046; ExAC 0.00049; gnomAD 0.00096 and 0.00102; ESP Exome Variant Server 0.00123; TOPMed 0.00138; 1000 Genomes Project 0.00160; 1000 Genomes Project 30x 0.00172.
gnomAD v4.1: 785 of 1,614,154 alleles (0.049%); highest among the groups gnomAD compares: Middle Eastern, 0.33%; 5 homozygotes.

Submissions (3):

CeGaT Center for Human Genetics Tuebingen
Classification: Likely benign. Last evaluated: 2024-01-01. Review status: criteria provided, single submitter. Criteria: CeGaT Center For Human Genetics Tuebingen Variant Classification Criteria Version 2. Collection method: clinical testing. Allele origin: germline. Affected: yes. Observed: 2 variant alleles.
Comment: TNR: BP4, BP7, BS2

Labcorp Genetics (formerly Invitae), Labcorp
Classification: Likely benign. Last evaluated: 2019-12-31. Review status: criteria provided, single submitter. Criteria: Invitae Variant Classification Sherloc (09022015). Collection method: clinical testing. Allele origin: germline.

Breakthrough Genomics
Classification: Likely benign. Review status: criteria provided, single submitter. Criteria: ACMG Guidelines, 2015. Collection method: not provided. Allele origin: germline. Inheritance: Autosomal recessive inheritance. Affected: yes.

NM_003285.3(TNR):c.1836C>T (p.Leu612=)

Gene: TNR (tenascin R; minus strand). Cytogenetic location: 1q25.1.
Variant type: single nucleotide variant.
Coding change: c.1836C>T on transcript NM_003285.3 (MANE Select); coding-DNA position 1836, C replaced by T.
Protein change: p.Leu612=; no amino-acid change (leucine 612 retained).
Molecular consequence: synonymous variant.
Genome position (GRCh38, 1-based): chr1:175,379,679, G>A on the plus strand (C>T on the coding strand, the complement: TNR is on the minus strand). VCF-style: chr1-175379679-G-A. GRCh37 (hg19) VCF-style: chr1-175348815-G-A.
Other names: c.837C>T, p.Leu279= (NM_001328635.2).
Identifiers: ClinVar variation 733392 (VCV000733392.29), dbSNP rs139768853, ClinGen allele CA1255804.